The following is an entry in ClinVar:

ClinVar aggregate classification (germline): Uncertain significance (1 of 4 stars; one submission).

gnomAD v4.1: 1 of 1,612,566 alleles (0.000062%); highest among the groups gnomAD compares: East Asian, 0.0022%; no homozygotes.

Submission:

Mayo Clinic Laboratories, Mayo Clinic
Classification: Uncertain significance. Last evaluated: 2022-11-28. Review status: criteria provided, single submitter. Criteria: ACMG Guidelines, 2015. Collection method: clinical testing. Allele origin: germline. Observed: 1 variant allele.
Comment: PM2_supporting

NM_139027.6(ADAMTS13):c.3400G>T (p.Gly1134Cys)

Gene: ADAMTS13 (ADAM metallopeptidase with thrombospondin type 1 motif 13; plus strand). Cytogenetic location: 9q34.2.
Variant type: single nucleotide variant.
Coding change: c.3400G>T on transcript NM_139027.6 (MANE Select); coding-DNA position 3400, G replaced by T.
Protein change: p.Gly1134Cys; replaces glycine 1134 with cysteine.
Molecular consequence: missense variant. On other transcripts: non-coding transcript variant (1).
Genome position (GRCh38, 1-based): chr9:133,455,435, G>T. VCF-style: chr9-133455435-G-T. GRCh37 (hg19) VCF-style: chr9-136320557-G-T.
Other names: p.Gly1134Cys; c.3400G>T, p.Gly1134Cys (NM_139025.5); c.3307G>T, p.Gly1103Cys (NM_139026.6); short protein forms G1103C, G1134C.
Identifiers: ClinVar variation 2683082 (VCV002683082.1), dbSNP rs782311486, ClinGen allele CA375412835.